The following is an entry in ClinVar:

NM_000122.2(ERCC3):c.1480A>G (p.Met494Val)

Gene: ERCC3 (ERCC excision repair 3, TFIIH core complex helicase subunit; minus strand). Cytogenetic location: 2q14.3.
Variant type: single nucleotide variant.
Coding change: c.1480A>G on transcript NM_000122.2 (MANE Select); coding-DNA position 1480, A replaced by G.
Protein change: p.Met494Val; replaces methionine 494 with valine.
Molecular consequence: missense variant.
Genome position (GRCh38, 1-based): chr2:127,280,494, T>C on the plus strand (A>G on the coding strand, the complement: ERCC3 is on the minus strand). VCF-style: chr2-127280494-T-C. GRCh37 (hg19) VCF-style: chr2-128038070-T-C.
Other names: c.1288A>G, p.Met430Val (NM_001303416.2, NM_001303418.2); short protein forms M494V, M430V.
Identifiers: ClinVar variation 3662134 (VCV003662134.2).

ClinVar aggregate classification (germline): Uncertain significance (1 of 4 stars; one submission).

Submission:

Labcorp Genetics (formerly Invitae), Labcorp
Classification: Uncertain significance. Last evaluated: 2024-08-12. Review status: criteria provided, single submitter. Criteria: Invitae Variant Classification Sherloc (09022015). Collection method: clinical testing. Allele origin: germline.
Comment: This sequence change replaces methionine, which is neutral and non-polar, with valine, which is neutral and non-polar, at codon 494 of the ERCC3 protein (p.Met494Val). This variant is not present in population databases (gnomAD no frequency). This variant has not been reported in the literature in individuals affected with ERCC3-related conditions. Advanced modeling of protein sequence and biophysical properties (such as structural, functional, and spatial information, amino acid conservation, physicochemical variation, residue mobility, and thermodynamic stability) performed at Invitae indicates that this missense variant is expected to disrupt ERCC3 protein function with a positive predictive value of 80%. In summary, the available evidence is currently insufficient to determine the role of this variant in disease. Therefore, it has been classified as a Variant of Uncertain Significance.